The following is an entry in ClinVar:

NM_014847.4(UBAP2L):c.2299G>A (p.Gly767Ser)

Gene: UBAP2L (ubiquitin associated protein 2 like; plus strand). Cytogenetic location: 1q21.3.
Variant type: single nucleotide variant.
Coding change: c.2299G>A on transcript NM_014847.4 (MANE Select); coding-DNA position 2299, G replaced by A.
Protein change: p.Gly767Ser; replaces glycine 767 with serine.
Molecular consequence: missense variant.
Genome position (GRCh38, 1-based): chr1:154,257,204, G>A. VCF-style: chr1-154257204-G-A. GRCh37 (hg19) VCF-style: chr1-154229680-G-A.
Other names: c.2299G>A, p.Gly767Ser (NM_001127320.3, NM_001375614.1, NM_001375615.1 and 14 more transcripts); c.2278G>A, p.Gly760Ser (NM_001287815.1); c.2332G>A, p.Gly778Ser (NM_001287816.1, NM_001330730.1, NM_001375612.1 and 2 more transcripts); short protein forms G760S, G767S, G778S.
Identifiers: ClinVar variation 4534856 (VCV004534856.6).

ClinVar aggregate classification (germline): Likely benign (1 of 4 stars; one submission).

gnomAD v4.1: 2 of 1,614,204 alleles (0.00012%); highest among the groups gnomAD compares: Admixed American, 0.0033%; no homozygotes.

Submission:

CeGaT Center for Human Genetics Tuebingen
Classification: Likely benign. Last evaluated: 2025-10-01. Review status: criteria provided, single submitter. Criteria: CeGaT Center For Human Genetics Tuebingen Variant Classification Criteria Version 2. Collection method: clinical testing. Allele origin: germline. Affected: yes. Observed: 1 variant allele.
Comment: UBAP2L: BP4